The following is an entry in ClinVar:

NM_001003787.4(STRADA):c.1051C>A (p.His351Asn)

Gene: STRADA (STE20 related adaptor alpha; minus strand). Cytogenetic location: 17q23.3.
Variant type: single nucleotide variant.
Coding change: c.1051C>A on transcript NM_001003787.4 (MANE Select); coding-DNA position 1051, C replaced by A.
Protein change: p.His351Asn; replaces histidine 351 with asparagine.
Molecular consequence: missense variant. On other transcripts: non-coding transcript variant (1), intron variant (6).
Genome position (GRCh38, 1-based): chr17:63,704,390, G>T on the plus strand (C>A on the coding strand, the complement: STRADA is on the minus strand). VCF-style: chr17-63704390-G-T. GRCh37 (hg19) VCF-style: chr17-61781750-G-T.
Other names: c.877C>A, p.His293Asn (NM_001003788.3); c.1027C>A, p.His343Asn (NM_001363786.1); c.964C>A, p.His322Asn (NM_001363787.1); c.940C>A, p.His314Asn (NM_153335.6, NM_001003786.3); c.898+42C>A (NM_001363789.1); c.835+42C>A (NM_001363790.1, NM_001363791.1); c.922+42C>A (NM_001165969.2); c.877+42C>A (NM_001165970.2); and 2 more; short protein forms H314N, H343N, H351N, H322N, H293N.
Identifiers: ClinVar variation 1402661 (VCV001402661.4), dbSNP rs376896311, ClinGen allele CA8703151.

ClinVar aggregate classification (germline): Uncertain significance. Review status: criteria provided, multiple submitters, no conflicts (2 of 4 stars). 2 submissions from 2 submitters: Uncertain significance (2). Last evaluated 2024-05-30.

Conditions:
Polyhydramnios, megalencephaly, and symptomatic epilepsy (PMSE). Also called: PMSE SYNDROME. Identifiers: Orphanet 500533, MedGen C1970203, MONDO:0012611, OMIM 611087.
Inborn genetic diseases. Identifiers: MedGen C0950123, MeSH D030342.

gnomAD v4.1: 50 of 1,612,552 alleles (0.0031%); highest among the groups gnomAD compares: East Asian, 0.011%; no homozygotes.

Submissions (2):

Ambry Genetics
Classification: Uncertain significance for Inborn genetic diseases. Last evaluated: 2024-05-30. Review status: criteria provided, single submitter. Criteria: Ambry Variant Classification Scheme 2023. Collection method: clinical testing. Allele origin: germline.

Labcorp Genetics (formerly Invitae), Labcorp
Classification: Uncertain significance for Polyhydramnios, megalencephaly, and symptomatic epilepsy. Last evaluated: 2022-08-07. Review status: criteria provided, single submitter. Criteria: Invitae Variant Classification Sherloc (09022015). Collection method: clinical testing. Allele origin: germline.
Comment: This sequence change replaces histidine, which is basic and polar, with asparagine, which is neutral and polar, at codon 351 of the STRADA protein (p.His351Asn). The frequency data for this variant in the population databases is considered unreliable, as metrics indicate poor data quality at this position in the gnomAD database. This variant has not been reported in the literature in individuals affected with STRADA-related conditions. ClinVar contains an entry for this variant (Variation ID: 1402661). Algorithms developed to predict the effect of missense changes on protein structure and function (SIFT, PolyPhen-2, Align-GVGD) all suggest that this variant is likely to be tolerated. In summary, the available evidence is currently insufficient to determine the role of this variant in disease. Therefore, it has been classified as a Variant of Uncertain Significance.